The following is an entry in ClinVar:

ClinVar aggregate classification (germline): Conflicting classifications of pathogenicity. Review status: criteria provided, conflicting classifications (1 of 4 stars). 2 submissions from 2 submitters: Uncertain significance (1); Likely benign (1). Last evaluated 2025-07-28.

Conditions:
Hereditary cancer-predisposing syndrome. Also called: Neoplastic Syndromes, Hereditary; Hereditary neoplastic syndrome; Hereditary Cancer Syndrome; Tumor predisposition. Identifiers: Orphanet 140162, MedGen C0027672, MeSH D009386, MONDO:0015356.
Hereditary breast ovarian cancer syndrome. Also called: Breast and ovarian cancer; Hereditary breast and ovarian cancer; Hereditary breast and ovarian cancer syndrome (HBOC); BRCA1- and BRCA2-Associated Hereditary Breast and Ovarian Cancer; Hereditary breast and/or ovarian cancer syndrome; Hereditary breast and ovarian cancer syndrome. Identifiers: Orphanet 145, MedGen C0677776, MeSH D061325, MONDO:0003582. Disease mechanism: loss of function.

Allele frequency attached by ClinVar (database versions not stated): gnomAD exomes below 0.00001; TOPMed below 0.00001.

Submissions (2):

Ambry Genetics
Classification: Likely benign for Hereditary cancer-predisposing syndrome. Last evaluated: 2025-07-28. Review status: criteria provided, single submitter. Criteria: Ambry Variant Classification Scheme 2023. Collection method: clinical testing. Allele origin: germline.

Labcorp Genetics (formerly Invitae), Labcorp
Classification: Uncertain significance for Hereditary breast ovarian cancer syndrome. Last evaluated: 2024-01-05. Review status: criteria provided, single submitter. Criteria: Invitae Variant Classification Sherloc (09022015). Collection method: clinical testing. Allele origin: germline.
Comment: This sequence change replaces glutamic acid, which is acidic and polar, with glycine, which is neutral and non-polar, at codon 2475 of the BRCA2 protein (p.Glu2475Gly). This variant is present in population databases (no rsID available, gnomAD 0.007%). This variant has not been reported in the literature in individuals affected with BRCA2-related conditions. Advanced modeling of protein sequence and biophysical properties (such as structural, functional, and spatial information, amino acid conservation, physicochemical variation, residue mobility, and thermodynamic stability) performed at Invitae indicates that this missense variant is not expected to disrupt BRCA2 protein function with a negative predictive value of 95%. In summary, the available evidence is currently insufficient to determine the role of this variant in disease. Therefore, it has been classified as a Variant of Uncertain Significance.

NM_000059.4(BRCA2):c.7424A>G (p.Glu2475Gly)

Gene: BRCA2 (BRCA2 DNA repair associated; plus strand). Cytogenetic location: 13q13.1.
Variant type: single nucleotide variant.
Coding change: c.7424A>G on transcript NM_000059.4 (MANE Select); coding-DNA position 7424, A replaced by G.
Protein change: p.Glu2475Gly; replaces glutamic acid 2475 with glycine.
Molecular consequence: missense variant. On other transcripts: non-coding transcript variant (1).
Genome position (GRCh38, 1-based): chr13:32,355,277, A>G. VCF-style: chr13-32355277-A-G. GRCh37 (hg19) VCF-style: chr13-32929414-A-G.
Other names: c.7328A>G, p.Glu2443Gly (NM_001406719.1); c.7424A>G, p.Glu2475Gly (NM_001406720.1); c.2492A>G, p.Glu831Gly (NM_001406721.1); c.1007A>G, p.Glu336Gly (NM_001406722.1); short protein forms E2443G, E336G, E2475G, E831G.
Identifiers: ClinVar variation 2972171 (VCV002972171.4), dbSNP rs1358596567, ClinGen allele CA387742010.